The following is an entry in ClinVar:

NM_016138.5(COQ7):c.591C>T (p.Ala197=)

Gene: COQ7 (coenzyme Q7, hydroxylase; plus strand). Cytogenetic location: 16p12.3.
Variant type: single nucleotide variant.
Coding change: c.591C>T on transcript NM_016138.5 (MANE Select); coding-DNA position 591, C replaced by T.
Protein change: p.Ala197=; no amino-acid change (alanine 197 retained).
Molecular consequence: synonymous variant. On other transcripts: non-coding transcript variant (3).
Genome position (GRCh38, 1-based): chr16:19,078,095, C>T. VCF-style: chr16-19078095-C-T. GRCh37 (hg19) VCF-style: chr16-19089417-C-T.
Other names: c.591C>T (NM_016138.4); c.477C>T, p.Ala159= (NM_001190983.2, NM_001370492.1, NM_001370493.1 and 1 more transcripts); c.549C>T, p.Ala183= (NM_001370489.1); c.522C>T, p.Ala174= (NM_001370490.1); c.480C>T, p.Ala160= (NM_001370491.1); c.408C>T, p.Ala136= (NM_001370495.1).
Identifiers: ClinVar variation 1900621 (VCV001900621.7), dbSNP rs749144290, ClinGen allele CA7933090.

ClinVar aggregate classification (germline): Likely benign. Review status: criteria provided, single submitter (1 of 4 stars). 2 submissions from 2 submitters: Likely benign (1). 1 of the submissions does not count toward it. Last evaluated 2025-07-03.

Conditions:
COQ7-related disorder. Also called: COQ7-related condition.

Allele frequency attached by ClinVar (database versions not stated): gnomAD 0.00001; gnomAD exomes 0.00002; TOPMed 0.00002; ExAC 0.00005.
gnomAD v4.1: 26 of 1,607,056 alleles (0.0016%); highest among the groups gnomAD compares: East Asian, 0.02%; no homozygotes.

Submissions (2):

Labcorp Genetics (formerly Invitae), Labcorp
Classification: Likely benign. Last evaluated: 2025-07-03. Review status: criteria provided, single submitter. Criteria: Invitae Variant Classification Sherloc (09022015). Collection method: clinical testing. Allele origin: germline.

PreventionGenetics, part of Exact Sciences
Classification: Likely benign for COQ7-related condition. Last evaluated: 2019-07-01. Review status: no assertion criteria provided. Collection method: clinical testing. Allele origin: germline. Not counted in ClinVar's aggregate classification.
Comment: This variant is classified as likely benign based on ACMG/AMP sequence variant interpretation guidelines (Richards et al. 2015 PMID: 25741868, with internal and published modifications).